The following is an entry in ClinVar:

ClinVar aggregate classification (germline): Uncertain significance (1 of 4 stars; one submission).

Submission:

GeneDx
Classification: Uncertain significance. Last evaluated: 2022-01-04. Review status: criteria provided, single submitter. Criteria: GeneDx Variant Classification Process June 2021. Collection method: clinical testing. Allele origin: germline. Affected: yes.
Comment: Not observed at significant frequency in large population cohorts (gnomAD); In silico analysis supports that this missense variant has a deleterious effect on protein structure/function; Has not been previously published as pathogenic or benign to our knowledge

NM_015352.2(POFUT1):c.560A>G (p.His187Arg)

Gene: POFUT1 (protein O-fucosyltransferase 1; plus strand). Cytogenetic location: 20q11.21.
Variant type: single nucleotide variant.
Coding change: c.560A>G on transcript NM_015352.2 (MANE Select); coding-DNA position 560, A replaced by G.
Protein change: p.His187Arg; replaces histidine 187 with arginine.
Molecular consequence: missense variant.
Genome position (GRCh38, 1-based): chr20:32,228,280, A>G. VCF-style: chr20-32228280-A-G. GRCh37 (hg19) VCF-style: chr20-30816083-A-G.
Other names: short protein forms H187R.
Identifiers: ClinVar variation 1693397 (VCV001693397.2), dbSNP rs2122596299, ClinGen allele CA408553199.
Genomic context (GRCh38, chr20:32,228,280, plus strand): 5'-CTCTGTGCGTCCTCTGACTTCCCTCATTCCATCTCCTGTCTAGATTTTCTCCAAAGGAAC[A>G]TCCGGTGCTTGCCCTGCCAGGAGCCCCAGCCCAGTTCCCCGTCCTAGAGGAACACAGGCC-3'
Protein context (NP_056167.1, residues 177-197): QWSQRFSPKE[His187Arg]PVLALPGAPA